The following is an entry in ClinVar:

NM_017791.3(FLVCR2):c.1057_1060del (p.Ile353fs)

Gene: FLVCR2 (FLVCR choline and putative heme transporter 2; plus strand). Cytogenetic location: 14q24.3.
Variant type: Deletion.
Coding change: c.1057_1060del on transcript NM_017791.3 (MANE Select); coding-DNA positions 1057 to 1060, 4 bases deleted (ATCG; older notation c.1057_1060delATCG).
Protein change: p.Ile353fs; shifts the reading frame from isoleucine 353.
Molecular consequence: frameshift variant.
Genome position (GRCh38, 1-based): chr14:75,634,946-75,634,949, ATCG deleted; deleting any 4 consecutive bases within chr14:75,634,944-75,634,949 gives the same sequence; the c. name uses the placement nearest the transcript's 3' end. VCF-style (leftmost placement, unchanged base first): chr14-75634943-ACGAT-A. GRCh37 (hg19) VCF-style: chr14-76101286-ACGAT-A.
Other names: c.442_445del, p.Ile148fs (NM_001195283.2); short protein forms I353fs, I148fs.
Identifiers: ClinVar variation 3663455 (VCV003663455.2).

ClinVar aggregate classification (germline): Pathogenic (1 of 4 stars; one submission).

Submission:

Labcorp Genetics (formerly Invitae), Labcorp
Classification: Pathogenic. Last evaluated: 2024-08-31. Review status: criteria provided, single submitter. Criteria: Invitae Variant Classification Sherloc (09022015). Collection method: clinical testing. Allele origin: germline.
Comment: This sequence change creates a premature translational stop signal (p.Ile353Serfs*9) in the FLVCR2 gene. It is expected to result in an absent or disrupted protein product. Loss-of-function variants in FLVCR2 are known to be pathogenic (PMID: 20206334, 20690116). This variant is not present in population databases (gnomAD no frequency). This variant has not been reported in the literature in individuals affected with FLVCR2-related conditions. Algorithms developed to predict the effect of sequence changes on RNA splicing suggest that this variant may disrupt the consensus splice site. For these reasons, this variant has been classified as Pathogenic.

Literature cited by the submitters: PubMed 20206334; PubMed 20690116.